The following is an entry in ClinVar:

NM_014208.3(DSPP):c.1024G>A (p.Glu342Lys)

Genes: DMP1-AS1 (DMP1 and DSPP antisense RNA 1; minus strand), DSPP (dentin sialophosphoprotein; plus strand). Cytogenetic location: 4q22.1.
Variant type: single nucleotide variant.
Coding change: c.1024G>A on transcript NM_014208.3 (MANE Select); coding-DNA position 1024, G replaced by A.
Protein change: p.Glu342Lys; replaces glutamic acid 342 with lysine.
Molecular consequence: missense variant.
Genome position (GRCh38, 1-based): chr4:87,613,210, G>A. VCF-style: chr4-87613210-G-A. GRCh37 (hg19) VCF-style: chr4-88534362-G-A.
Other names: short protein forms E342K.
Identifiers: ClinVar variation 1185809 (VCV001185809.36), dbSNP rs201404949, ClinGen allele CA3000999.

ClinVar aggregate classification (germline): Conflicting classifications of pathogenicity. Review status: criteria provided, conflicting classifications (1 of 4 stars). 5 submissions from 5 submitters: Uncertain significance (3); Likely benign (2). Last evaluated 2025-08-18.

Conditions:
Inborn genetic diseases. Identifiers: MedGen C0950123, MeSH D030342.

Allele frequency attached by ClinVar (database versions not stated): ExAC 0.00019; gnomAD exomes 0.00021 and 0.00034; gnomAD 0.00024 and 0.00026; TOPMed 0.00027; ESP Exome Variant Server 0.00050.

Submissions (5):

Labcorp Genetics (formerly Invitae), Labcorp
Classification: Uncertain significance. Last evaluated: 2025-08-18. Review status: criteria provided, single submitter. Criteria: Invitae Variant Classification Sherloc (09022015). Collection method: clinical testing. Allele origin: germline.
Comment: This sequence change replaces glutamic acid, which is acidic and polar, with lysine, which is basic and polar, at codon 342 of the DSPP protein (p.Glu342Lys). This variant is present in population databases (rs201404949, gnomAD 0.03%), and has an allele count higher than expected for a pathogenic variant. This variant has not been reported in the literature in individuals affected with DSPP-related conditions. ClinVar contains an entry for this variant (Variation ID: 1185809). An algorithm developed to predict the effect of missense changes on protein structure and function outputs the following: PolyPhen-2: "Possibly Damaging". The lysine amino acid residue is found in multiple mammalian species, which suggests that this missense change does not adversely affect protein function. In summary, the available evidence is currently insufficient to determine the role of this variant in disease. Therefore, it has been classified as a Variant of Uncertain Significance.

Ambry Genetics
Classification: Uncertain significance for Inborn genetic diseases. Last evaluated: 2025-06-29. Review status: criteria provided, single submitter. Criteria: Ambry Variant Classification Scheme 2023. Collection method: clinical testing. Allele origin: germline.

Blueprint Genetics
Classification: Likely benign. Last evaluated: 2024-10-18. Review status: criteria provided, single submitter. Criteria: ACMG Guidelines, 2015. Collection method: clinical testing. Allele origin: germline.

GeneDx
Classification: Uncertain significance. Last evaluated: 2023-11-21. Review status: criteria provided, single submitter. Criteria: GeneDx Variant Classification Process June 2021. Collection method: clinical testing. Allele origin: germline. Affected: yes.
Comment: In silico analysis supports that this missense variant does not alter protein structure/function; Has not been previously published as pathogenic or benign to our knowledge

CeGaT Center for Human Genetics Tuebingen
Classification: Likely benign. Last evaluated: 2023-02-01. Review status: criteria provided, single submitter. Criteria: CeGaT Center For Human Genetics Tuebingen Variant Classification Criteria Version 2. Collection method: clinical testing. Allele origin: germline. Affected: yes. Observed: 1 variant allele.
Comment: DSPP: PP3, BS2